The following is an entry in ClinVar:

ClinVar aggregate classification (germline): Uncertain significance. Review status: criteria provided, multiple submitters, no conflicts (2 of 4 stars). 6 submissions from 5 submitters: Uncertain significance (6). Last evaluated 2025-02-23.

Conditions:
Dilated cardiomyopathy 1L (CMD1L). Identifiers: Orphanet 154, MedGen C1847667, MONDO:0011702, OMIM 606685.
Autosomal recessive limb-girdle muscular dystrophy type 2F (LGMDR6). Also called: MUSCULAR DYSTROPHY, LIMB-GIRDLE, AUTOSOMAL RECESSIVE 6; Muscular dystrophy limb-girdle with delta-sarcoglyan deficiency. Identifiers: Orphanet 219, MedGen C1832525, MONDO:0011028, OMIM 601287. Disease mechanism: Affects gamma-sarcoglycan and also disrupts the integrity of the entire sarcoglycan complex..
Inborn genetic diseases. Identifiers: MedGen C0950123, MeSH D030342.

Allele frequency attached by ClinVar (database versions not stated): gnomAD 0.00001; gnomAD exomes 0.00001 and 0.00003; TOPMed 0.00002; ExAC 0.00003.
gnomAD v4.1: 9 of 1,573,550 alleles (0.00057%); highest among the groups gnomAD compares: Admixed American, 0.011%; no homozygotes.

Submissions (6):

Mayo Clinic Laboratories, Mayo Clinic
Classification: Uncertain significance. Last evaluated: 2025-02-23. Review status: criteria provided, single submitter. Criteria: ACMG Guidelines, 2015. Collection method: clinical testing. Allele origin: germline. Observed: 1 variant allele.
Comment: BP4

Ambry Genetics
Classification: Uncertain significance for Inborn genetic diseases. Last evaluated: 2024-03-11. Review status: criteria provided, single submitter. Criteria: Ambry Variant Classification Scheme 2023. Collection method: clinical testing. Allele origin: germline.
Comment: The p.Q118H variant (also known as c.354G>T), located in coding exon 4 of the SGCD gene, results from a G to T substitution at nucleotide position 354. The glutamine at codon 118 is replaced by histidine, an amino acid with highly similar properties. This amino acid position is conserved. In addition, the in silico prediction for this alteration is inconclusive. Since supporting evidence is limited at this time, the clinical significance of this alteration remains unclear.

Genome-Nilou Lab
Classification: Uncertain significance for Autosomal recessive limb-girdle muscular dystrophy type 2F. Last evaluated: 2023-02-08. Review status: criteria provided, single submitter. Criteria: ACMG Guidelines, 2015. Collection method: clinical testing. Allele origin: germline.

Genome-Nilou Lab
Classification: Uncertain significance for Dilated cardiomyopathy 1L. Last evaluated: 2023-02-08. Review status: criteria provided, single submitter. Criteria: ACMG Guidelines, 2015. Collection method: clinical testing. Allele origin: germline.

Labcorp Genetics (formerly Invitae), Labcorp
Classification: Uncertain significance for Autosomal recessive limb-girdle muscular dystrophy type 2F. Last evaluated: 2021-11-05. Review status: criteria provided, single submitter. Criteria: Invitae Variant Classification Sherloc (09022015). Collection method: clinical testing. Allele origin: germline.
Comment: This sequence change replaces glutamine, which is neutral and polar, with histidine, which is basic and polar, at codon 118 of the SGCD protein (p.Gln118His). The frequency data for this variant in the population databases is considered unreliable, as metrics indicate poor data quality at this position in the gnomAD database. This variant has not been reported in the literature in individuals affected with SGCD-related conditions. ClinVar contains an entry for this variant (Variation ID: 464018). Algorithms developed to predict the effect of missense changes on protein structure and function (SIFT, PolyPhen-2, Align-GVGD) all suggest that this variant is likely to be tolerated. In summary, the available evidence is currently insufficient to determine the role of this variant in disease. Therefore, it has been classified as a Variant of Uncertain Significance.

Revvity Omics, Revvity
Classification: Uncertain significance. Last evaluated: 2021-01-14. Review status: criteria provided, single submitter. Criteria: ACMG Guidelines, 2015. Collection method: clinical testing. Allele origin: germline.

NM_000337.6(SGCD):c.354G>T (p.Gln118His)

Gene: SGCD (sarcoglycan delta; plus strand). Cytogenetic location: 5q33.3.
Variant type: single nucleotide variant.
Coding change: c.354G>T on transcript NM_000337.6 (MANE Select); coding-DNA position 354, G replaced by T.
Protein change: p.Gln118His; replaces glutamine 118 with histidine.
Molecular consequence: missense variant.
Genome position (GRCh38, 1-based): chr5:156,589,290, G>T. VCF-style: chr5-156589290-G-T. GRCh37 (hg19) VCF-style: chr5-156016300-G-T.
Other names: p.Gln118His; c.351G>T, p.Gln117His (NM_001128209.2); c.354G>T, p.Gln118His (NM_172244.3); short protein forms Q118H, Q117H.
Identifiers: ClinVar variation 464018 (VCV000464018.13), dbSNP rs770930747, ClinGen allele CA3530570.